The following is an entry in ClinVar:

ClinVar aggregate classification (germline): Conflicting classifications of pathogenicity. Review status: criteria provided, conflicting classifications (1 of 4 stars). 4 submissions from 4 submitters: Uncertain significance (1); Likely benign (3). Last evaluated 2026-01-20.

Conditions:
Inborn genetic diseases. Identifiers: MedGen C0950123, MeSH D030342.
Mucopolysaccharidosis type 1. Also called: IDUA deficiency; MPS I; Mucopolysaccharidosis Type I. Identifiers: Orphanet 579, MedGen C0023786, MONDO:0001586.
IDUA-related disorder. Also called: IDUA-related condition.

Allele frequency attached by ClinVar (database versions not stated): ESP Exome Variant Server 0.00008; TOPMed 0.00020.
gnomAD v4.1: 61 of 1,504,660 alleles (0.0041%); highest among the groups gnomAD compares: African/African-American, 0.044%; no homozygotes.

Submissions (4):

Labcorp Genetics (formerly Invitae), Labcorp
Classification: Likely benign for Mucopolysaccharidosis type 1. Last evaluated: 2026-01-20. Review status: criteria provided, single submitter. Criteria: Invitae Variant Classification Sherloc (09022015). Collection method: clinical testing. Allele origin: germline.

PreventionGenetics, part of Exact Sciences
Classification: Likely benign for IDUA-related condition. Last evaluated: 2024-11-26. Review status: criteria provided, single submitter. Criteria: ACMG Guidelines, 2015. Collection method: clinical testing. Allele origin: germline.
Comment: This variant is classified as likely benign based on ACMG/AMP sequence variant interpretation guidelines (Richards et al. 2015 PMID: 25741868, with internal and published modifications).

Ambry Genetics
Classification: Likely benign for Inborn genetic diseases. Last evaluated: 2022-11-17. Review status: criteria provided, single submitter. Criteria: Ambry Variant Classification Scheme 2023. Collection method: clinical testing. Allele origin: germline.

Revvity Omics, Revvity
Classification: Uncertain significance. Last evaluated: 2022-08-29. Review status: criteria provided, single submitter. Criteria: ACMG Guidelines, 2015. Collection method: clinical testing. Allele origin: germline.

NM_000203.5(IDUA):c.1491G>T (p.Thr497=)

Gene: IDUA (alpha-L-iduronidase; plus strand). Cytogenetic location: 4p16.3.
Variant type: single nucleotide variant.
Coding change: c.1491G>T on transcript NM_000203.5 (MANE Select); coding-DNA position 1491, G replaced by T.
Protein change: p.Thr497=; no amino-acid change (threonine 497 retained).
Molecular consequence: synonymous variant. On other transcripts: non-coding transcript variant (1).
Genome position (GRCh38, 1-based): chr4:1,003,124, G>T. VCF-style: chr4-1003124-G-T. GRCh37 (hg19) VCF-style: chr4-996912-G-T.
Other names: c.1095G>T, p.Thr365= (NM_001363576.1); c.1491G>T (NM_000203.3).
Identifiers: ClinVar variation 742179 (VCV000742179.16), dbSNP rs374102243, ClinGen allele CA2802277.
Genomic context (GRCh38, chr4:1,003,124, plus strand): 5'-CAACGGGCTCTGCAGCCCCGACGGCGAGTGGCGGCGCCTGGGCCGGCCCGTCTTCCCCAC[G>T]GCAGAGCAGTTCCGGCGCATGCGCGCGGCTGAGGTAGGTGGGCCGCGGAGGGGCGAGGGG-3'
Protein context (NP_000194.2, residues 487-507): WRRLGRPVFP[Thr497=]AEQFRRMRAA